The following is an entry in ClinVar:

NM_004415.4(DSP):c.5627A>C (p.Glu1876Ala)

Gene: DSP (desmoplakin; plus strand). Cytogenetic location: 6p24.3.
Variant type: single nucleotide variant.
Coding change: c.5627A>C on transcript NM_004415.4 (MANE Select); coding-DNA position 5627, A replaced by C.
Protein change: p.Glu1876Ala; replaces glutamic acid 1876 with alanine.
Molecular consequence: missense variant.
Genome position (GRCh38, 1-based): chr6:7,582,889, A>C. VCF-style: chr6-7582889-A-C. GRCh37 (hg19) VCF-style: chr6-7583122-A-C.
Other names: c.3830A>C, p.Glu1277Ala (NM_001008844.3); c.4298A>C, p.Glu1433Ala (NM_001319034.2); short protein forms E1876A, E1277A, E1433A.
Identifiers: ClinVar variation 4976337 (VCV004976337.1).
Genomic context (GRCh38, chr6:7,582,889, plus strand): 5'-AGAAACAGCAAATTCAGAATGACCTGAATCAGTGGAAGACTCAATATTCCCGCAAGGAGG[A>C]GGCTATTAGGAAGATAGAATCGGAAAGAGAAAAGAGTGAGAGAGAGAAGAACAGTCTTAG-3'
Protein context (NP_004406.2, residues 1866-1886): QWKTQYSRKE[Glu1876Ala]AIRKIESERE

ClinVar aggregate classification (germline): Uncertain significance (1 of 4 stars; one submission).

Submission:

GeneDx
Classification: Uncertain significance. Last evaluated: 2026-02-10. Review status: criteria provided, single submitter. Criteria: GeneDx Variant Classification Process June 2021. Collection method: clinical testing. Allele origin: germline.
Comment: Not observed at significant frequency in large population cohorts (gnomAD); In silico analysis supports that this missense variant has a deleterious effect on protein structure/function; Has not been previously published as pathogenic or benign to our knowledge